The following is an entry in ClinVar:

ClinVar aggregate classification (germline): Pathogenic/Likely pathogenic. Review status: criteria provided, multiple submitters, no conflicts (2 of 4 stars). 2 submissions from 2 submitters: Pathogenic (1); Likely pathogenic (1). Last evaluated 2025-05-21.

Conditions:
Autosomal recessive congenital ichthyosis 1 (LI1). Also called: ICHTHYOSIS, CONGENITAL, AUTOSOMAL RECESSIVE 1, WITH BATHING SUIT DISTRIBUTION; COLLODION FETUS; DESQUAMATION OF NEWBORN; ICHTHYOSIS CONGENITA; ICHTHYOSIS CONGENITA II; LAMELLAR EXFOLIATION OF NEWBORN. Identifiers: MedGen C4551630, MONDO:0009441, OMIM 242300.

Submissions (2):

Natera, Inc.
Classification: Likely pathogenic for Autosomal recessive congenital ichthyosis type 1. Last evaluated: 2025-05-21. Review status: criteria provided, single submitter. Criteria: Natera Variant Classification Schema (03/2026). Collection method: clinical testing. Allele origin: germline.
Comment: The c.661C>T variant in TGM1 is a nonsense variant predicted to introduce a stop codon at amino acid 221. This variant is expected to result in nonsense mediated decay, truncation, or a dysfunctional protein product. This variant is rare in the general population with a frequency below the threshold expected for the associated phenotype(s). Given the available evidence, this variant is classified as Likely Pathogenic.

Labcorp Genetics (formerly Invitae), Labcorp
Classification: Pathogenic. Last evaluated: 2023-11-18. Review status: criteria provided, single submitter. Criteria: Invitae Variant Classification Sherloc (09022015). Collection method: clinical testing. Allele origin: germline.
Comment: This sequence change creates a premature translational stop signal (p.Gln221*) in the TGM1 gene. It is expected to result in an absent or disrupted protein product. Loss-of-function variants in TGM1 are known to be pathogenic (PMID: 18948357, 19241467). This variant is not present in population databases (gnomAD no frequency). This variant has not been reported in the literature in individuals affected with TGM1-related conditions. ClinVar contains an entry for this variant (Variation ID: 1455322). For these reasons, this variant has been classified as Pathogenic.

Literature cited by the submitters: PubMed 18948357 (cited by Labcorp Genetics (formerly Invitae), Labcorp); PubMed 19241467 (cited by Labcorp Genetics (formerly Invitae), Labcorp).

NM_000359.3(TGM1):c.661C>T (p.Gln221Ter)

Gene: TGM1 (transglutaminase 1; minus strand). Cytogenetic location: 14q12.
Variant type: single nucleotide variant.
Coding change: c.661C>T on transcript NM_000359.3 (MANE Select); coding-DNA position 661, C replaced by T.
Protein change: p.Gln221Ter; replaces glutamine 221 with a stop codon.
Molecular consequence: nonsense.
Genome position (GRCh38, 1-based): chr14:24,260,546, G>A on the plus strand (C>T on the coding strand, the complement: TGM1 is on the minus strand). VCF-style: chr14-24260546-G-A. GRCh37 (hg19) VCF-style: chr14-24729752-G-A.
Other names: c.661C>T (NM_000359.2); short protein forms Q221*.
Identifiers: ClinVar variation 1455322 (VCV001455322.8), dbSNP rs2139026120, ClinGen allele CA389272618.